The following is an entry in ClinVar:

ClinVar aggregate classification (germline): Uncertain significance (1 of 4 stars; one submission).

Submission:

GeneDx
Classification: Uncertain significance. Last evaluated: 2023-07-02. Review status: criteria provided, single submitter. Criteria: GeneDx Variant Classification Process June 2021. Collection method: clinical testing. Allele origin: germline. Affected: yes.
Comment: Not observed at significant frequency in large population cohorts (gnomAD); In silico analysis supports that this missense variant does not alter protein structure/function; Has not been previously published as pathogenic or benign to our knowledge

NM_001069.3(TUBB2A):c.937G>A (p.Val313Met)

Gene: TUBB2A (tubulin beta 2A class IIa; minus strand). Cytogenetic location: 6p25.2.
Variant type: single nucleotide variant.
Coding change: c.937G>A on transcript NM_001069.3 (MANE Select); coding-DNA position 937, G replaced by A.
Protein change: p.Val313Met; replaces valine 313 with methionine.
Molecular consequence: missense variant.
Genome position (GRCh38, 1-based): chr6:3,154,264, C>T on the plus strand (G>A on the coding strand, the complement: TUBB2A is on the minus strand). VCF-style: chr6-3154264-C-T. GRCh37 (hg19) VCF-style: chr6-3154498-C-T.
Other names: c.682G>A, p.Val228Met (NM_001310315.2); short protein forms V228M, V313M.
Identifiers: ClinVar variation 3342973 (VCV003342973.1).